The following is an entry in ClinVar:

NM_005912.3(MC4R):c.827A>G (p.Tyr276Cys)

Gene: MC4R (melanocortin 4 receptor; minus strand). Cytogenetic location: 18q21.32.
Variant type: single nucleotide variant.
Coding change: c.827A>G on transcript NM_005912.3 (MANE Select); coding-DNA position 827, A replaced by G.
Protein change: p.Tyr276Cys; replaces tyrosine 276 with cysteine.
Molecular consequence: missense variant.
Genome position (GRCh38, 1-based): chr18:60,371,523, T>C on the plus strand (A>G on the coding strand, the complement: MC4R is on the minus strand). VCF-style: chr18-60371523-T-C. GRCh37 (hg19) VCF-style: chr18-58038756-T-C.
Other names: short protein forms Y276C.
Identifiers: ClinVar variation 435827 (VCV000435827.19), dbSNP rs748627503, ClinGen allele CA8980831.
Genomic context (GRCh38, chr18:60,371,523, plus strand): 5'-ATTGAATTACACATGATCAGTATGAGATACAAGTTAAAGTGAGACATGAAGCACACACAA[T>C]ATGGATTCTGAGGACAAGAGATGTAGAATATTAAGTGGAGGAAGAATGGGGCCCAGCAGA-3'
Protein context (NP_005903.2, residues 266-286): IFYISCPQNP[Tyr276Cys]CVCFMSHFNL

ClinVar aggregate classification (germline): Uncertain significance. Review status: criteria provided, multiple submitters, no conflicts (2 of 4 stars). 6 submissions from 6 submitters: Uncertain significance (6). Last evaluated 2026-09-30.

Conditions:
MC4R-related disorder. Also called: MC4R-related condition.
BODY MASS INDEX QUANTITATIVE TRAIT LOCUS 20 (BMIQ20). Also called: MELANOCORTIN 4 RECEPTOR DEFICIENCY; MC4R DEFICIENCY. Identifiers: MedGen C4759928, OMIM 618406.

Allele frequency attached by ClinVar (database versions not stated): gnomAD 0.00001; gnomAD exomes 0.00003 and 0.00006; ExAC 0.00002; TOPMed 0.00002.

Submissions (6):

GeneDx
Classification: Uncertain significance. Last evaluated: 2026-09-30. Review status: criteria provided, single submitter. Criteria: GeneDx Variant Classification Process June 2021. Collection method: clinical testing. Allele origin: germline.
Comment: Identified in an individual with obesity, however additional clinical information was not provided (PMID: 35562395); Identified in a patient with low levels of high density lipoprotein-cholesterol (HDL-C), however additional clinical information was not provided (PMID: 35460704); In silico analysis supports that this missense variant has a deleterious effect on protein structure/function; This variant is associated with the following publications: (PMID: 35562395, 35460704)

PreventionGenetics, part of Exact Sciences
Classification: Uncertain significance for MC4R-related condition. Last evaluated: 2026-01-27. Review status: criteria provided, single submitter. Criteria: ACMG Guidelines, 2015. Collection method: clinical testing. Allele origin: germline.
Comment: The MC4R c.827A>G variant is predicted to result in the amino acid substitution p.Tyr276Cys. This variant was reported in one individual with hypoalphalipoproteinemia (Table S3; Dong et al. 2022. PubMed ID: 35460704) and one individual with childhood onset obesity (Supplementary Table 1; Roberts et al. 2022. PubMed ID: 35562395). This variant is reported in 0.040% of alleles in individuals of Latino descent in gnomAD. At this time, the clinical significance of this variant is uncertain due to the absence of conclusive functional and genetic evidence.

Labcorp Genetics (formerly Invitae), Labcorp
Classification: Uncertain significance. Last evaluated: 2024-06-12. Review status: criteria provided, single submitter. Criteria: Invitae Variant Classification Sherloc (09022015). Collection method: clinical testing. Allele origin: germline.
Comment: This sequence change replaces tyrosine, which is neutral and polar, with cysteine, which is neutral and slightly polar, at codon 276 of the MC4R protein (p.Tyr276Cys). This variant is present in population databases (rs748627503, gnomAD 0.04%). This missense change has been observed in individual(s) with HDL deficiency and/or obesity (PMID: 35460704, 35562395). ClinVar contains an entry for this variant (Variation ID: 435827). Advanced modeling of protein sequence and biophysical properties (such as structural, functional, and spatial information, amino acid conservation, physicochemical variation, residue mobility, and thermodynamic stability) performed at Invitae indicates that this missense variant is not expected to disrupt MC4R protein function with a negative predictive value of 80%. In summary, the available evidence is currently insufficient to determine the role of this variant in disease. Therefore, it has been classified as a Variant of Uncertain Significance.

Revvity Omics, Revvity
Classification: Uncertain significance for BODY MASS INDEX QUANTITATIVE TRAIT LOCUS 20. Last evaluated: 2021-11-22. Review status: criteria provided, single submitter. Criteria: ACMG Guidelines, 2015. Collection method: clinical testing. Allele origin: germline.

Fulgent Genetics
Classification: Uncertain significance for BODY MASS INDEX QUANTITATIVE TRAIT LOCUS 20. Last evaluated: 2021-09-07. Review status: criteria provided, single submitter. Criteria: ACMG Guidelines, 2015. Collection method: clinical testing. Allele origin: unknown.

Genetic Services Laboratory, University of Chicago
Classification: Uncertain significance. Last evaluated: 2016-08-30. Review status: criteria provided, single submitter. Criteria: ACMG Guidelines, 2015. Collection method: clinical testing. Allele origin: germline. Affected: no.

Literature cited by the submitters: PubMed 35460704 (cited by Labcorp Genetics (formerly Invitae), Labcorp); PubMed 35562395 (cited by Labcorp Genetics (formerly Invitae), Labcorp).